The following is an entry in ClinVar:

ClinVar aggregate classification (germline): Conflicting classifications of pathogenicity. Review status: criteria provided, conflicting classifications (1 of 4 stars). 4 submissions from 4 submitters: Uncertain significance (3); Likely benign (1). Last evaluated 2025-12-22.

Conditions:
SALL1-related disorder. Also called: SALL1-related condition.
Townes syndrome (TBS). Also called: Townes-Brocks syndrome. Identifiers: Orphanet 857, MedGen C0265246, MeSH C536974, MONDO:0007142.
Inborn genetic diseases. Identifiers: MedGen C0950123, MeSH D030342.

Allele frequency attached by ClinVar (database versions not stated): gnomAD 0.00003; TOPMed 0.00005.
gnomAD v4.1: 73 of 1,614,030 alleles (0.0045%); highest among the groups gnomAD compares: South Asian, 0.034%; 1 homozygote.

Submissions (4):

Women's Health and Genetics/Laboratory Corporation of America, LabCorp
Classification: Likely benign. Last evaluated: 2025-12-22. Review status: criteria provided, single submitter. Criteria: LabCorp Variant Classification Summary - May 2015. Collection method: clinical testing. Allele origin: germline.
Comment: Variant summary: SALL1 c.1991C>T (p.Pro664Leu) results in a non-conservative amino acid change in the encoded protein sequence. Algorithms developed to predict the effect of missense changes on protein structure and function are either unavailable or do not agree on the potential impact of this missense change. The variant allele was found at a frequency of 4.5e-05 in 1607034 control chromosomes including 1 homozygote and predominantly observed at a frequency of 0.00034 within the South Asian subpopulation in the gnomAD database. The occurrence in several carriers suggests that this variant is likely not associated with a high penetrance, severe, early onset disease phenotype in heterozygous state. The variant, c.1991C>T, has been observed in a cohort of individuals affected with congenital limb malformations, however the variant was also present in an unaffected parent (Furniss_2009). To our knowledge, no experimental evidence demonstrating an impact on protein function has been reported. The following publication has been ascertained in the context of this evaluation (PMID: 19429598). ClinVar contains an entry for this variant (Variation ID: 2636896). Based on the evidence outlined above, the variant was classified as likely benign.

Labcorp Genetics (formerly Invitae), Labcorp
Classification: Uncertain significance for Townes syndrome. Last evaluated: 2025-10-02. Review status: criteria provided, single submitter. Criteria: Invitae Variant Classification Sherloc (09022015). Collection method: clinical testing. Allele origin: germline.
Comment: This sequence change replaces proline, which is neutral and non-polar, with leucine, which is neutral and non-polar, at codon 664 of the SALL1 protein (p.Pro664Leu). This variant is present in population databases (rs74886565, gnomAD 0.03%), and has an allele count higher than expected for a pathogenic variant. This variant has not been reported in the literature in individuals affected with SALL1-related conditions. ClinVar contains an entry for this variant (Variation ID: 2636896). Invitae Evidence Modeling of protein sequence and biophysical properties (such as structural, functional, and spatial information, amino acid conservation, physicochemical variation, residue mobility, and thermodynamic stability) indicates that this missense variant is expected to disrupt SALL1 protein function with a positive predictive value of 80%. In summary, the available evidence is currently insufficient to determine the role of this variant in disease. Therefore, it has been classified as a Variant of Uncertain Significance.

Ambry Genetics
Classification: Uncertain significance for Inborn genetic diseases. Last evaluated: 2025-07-14. Review status: criteria provided, single submitter. Criteria: Ambry Variant Classification Scheme 2023. Collection method: clinical testing. Allele origin: germline.

PreventionGenetics, part of Exact Sciences
Classification: Uncertain significance for SALL1-related condition. Last evaluated: 2022-12-14. Review status: criteria provided, single submitter. Criteria: ACMG Guidelines, 2015. Collection method: clinical testing. Allele origin: germline.
Comment: The SALL1 c.1991C>T variant is predicted to result in the amino acid substitution p.Pro664Leu. To our knowledge, this variant has not been reported in the literature. This variant is reported in 0.033% of alleles in individuals of South Asian descent in gnomAD. Although we suspect that this variant may be benign, at this time, the clinical significance of this variant is uncertain due to the absence of conclusive functional and genetic evidence.

Literature cited by the submitters: PubMed 19429598 (cited by Women's Health and Genetics/Laboratory Corporation of America, LabCorp).

NM_002968.3(SALL1):c.1991C>T (p.Pro664Leu)

Gene: SALL1 (spalt like transcription factor 1; minus strand). Cytogenetic location: 16q12.1.
Variant type: single nucleotide variant.
Coding change: c.1991C>T on transcript NM_002968.3 (MANE Select); coding-DNA position 1991, C replaced by T.
Protein change: p.Pro664Leu; replaces proline 664 with leucine.
Molecular consequence: missense variant.
Genome position (GRCh38, 1-based): chr16:51,140,231, G>A on the plus strand (C>T on the coding strand, the complement: SALL1 is on the minus strand). VCF-style: chr16-51140231-G-A. GRCh37 (hg19) VCF-style: chr16-51174142-G-A.
Other names: c.1700C>T, p.Pro567Leu (NM_001127892.2); short protein forms P567L, P664L.
Identifiers: ClinVar variation 2636896 (VCV002636896.6), dbSNP rs74886565, ClinGen allele CA8053182.